The following is an entry in ClinVar:

NM_025179.4(PLXNA2):c.2452G>A (p.Asp818Asn)

Gene: PLXNA2 (plexin A2; minus strand). Cytogenetic location: 1q32.2.
Variant type: single nucleotide variant.
Coding change: c.2452G>A on transcript NM_025179.4 (MANE Select); coding-DNA position 2452, G replaced by A.
Protein change: p.Asp818Asn; replaces aspartic acid 818 with asparagine.
Molecular consequence: missense variant.
Genome position (GRCh38, 1-based): chr1:208,079,394, C>T on the plus strand (G>A on the coding strand, the complement: PLXNA2 is on the minus strand). VCF-style: chr1-208079394-C-T. GRCh37 (hg19) VCF-style: chr1-208252739-C-T.
Other names: c.2452G>A (NM_025179.3); short protein forms D818N.
Identifiers: ClinVar variation 1487583 (VCV001487583.10), dbSNP rs758535080, ClinGen allele CA1373510.

ClinVar aggregate classification (germline): Uncertain significance. Review status: criteria provided, multiple submitters, no conflicts (2 of 4 stars). 2 submissions from 2 submitters: Uncertain significance (2). Last evaluated 2025-05-27.

Conditions:
PLXNA2-related disorder. Also called: PLXNA2-related condition.

Allele frequency attached by ClinVar (database versions not stated): gnomAD exomes 0.00003 and 0.00008; TOPMed 0.00006; gnomAD 0.00009 and 0.00010; ExAC 0.00012.
gnomAD v4.1: 57 of 1,613,258 alleles (0.0035%); highest among the groups gnomAD compares: Admixed American, 0.005%; no homozygotes.

Submissions (2):

PreventionGenetics, part of Exact Sciences
Classification: Uncertain significance for PLXNA2-related condition. Last evaluated: 2025-05-27. Review status: criteria provided, single submitter. Criteria: ACMG Guidelines, 2015. Collection method: clinical testing. Allele origin: germline.
Comment: The PLXNA2 c.2452G>A variant is predicted to result in the amino acid substitution p.Asp818Asn. To our knowledge, this variant has not been reported in the literature. This variant is reported in 0.066% of alleles in individuals of European (Finnish) descent in gnomAD, which is likely too common for an undocumented disease-causing variant. Although we suspect that this variant may be benign, at this time, the clinical significance of this variant is uncertain due to the absence of conclusive functional and genetic evidence.

Labcorp Genetics (formerly Invitae), Labcorp
Classification: Uncertain significance. Last evaluated: 2022-12-06. Review status: criteria provided, single submitter. Criteria: Invitae Variant Classification Sherloc (09022015). Collection method: clinical testing. Allele origin: germline.
Comment: Advanced modeling of protein sequence and biophysical properties (such as structural, functional, and spatial information, amino acid conservation, physicochemical variation, residue mobility, and thermodynamic stability) performed at Invitae indicates that this missense variant is not expected to disrupt PLXNA2 protein function. In summary, the available evidence is currently insufficient to determine the role of this variant in disease. Therefore, it has been classified as a Variant of Uncertain Significance. ClinVar contains an entry for this variant (Variation ID: 1487583). This variant has not been reported in the literature in individuals affected with PLXNA2-related conditions. This variant is present in population databases (rs758535080, gnomAD 0.07%), and has an allele count higher than expected for a pathogenic variant. This sequence change replaces aspartic acid, which is acidic and polar, with asparagine, which is neutral and polar, at codon 818 of the PLXNA2 protein (p.Asp818Asn).